The following is an entry in ClinVar:

ClinVar aggregate classification (germline): Likely pathogenic (0 of 4 stars; one submission).

Submission:

Department of Pathology and Laboratory Medicine, Sinai Health System
Classification: Likely pathogenic. Review status: no assertion criteria provided. Collection method: clinical testing. Allele origin: unknown. Affected: yes. Study: The Canadian Open Genetics Repository (COGR).
Comment: The CDH1 p.Gln677* variant was not identified in the literature nor was it identified in the dbSNP, ClinVar, MutDB, or Zhejiang University Database. The variant was only identified in Cosmic database (1x in urinary tract tissue). The variant was not identified in the following control databases: the Exome Aggregation Consortium (August 8th 2016), or the Genome Aggregation Database (Feb 27, 2017). The p.Gln677* variant leads to a premature stop codon at position 677, which is predicted to lead to a truncated or absent protein and loss of function. Loss of function variants of the CDH1 gene are an established mechanism of disease in CDH1 associated cancers and is the type of variant expected to cause the disorder. In summary, based on the above information the clinical significance of this variant cannot be determined with certainty at this time although we would lean towards a more pathogenic role for this variant. This variant is classified as likely pathogenic.

NM_004360.5(CDH1):c.2029C>T (p.Gln677Ter)

Gene: CDH1 (cadherin 1; plus strand). Cytogenetic location: 16q22.1.
Variant type: single nucleotide variant.
Coding change: c.2029C>T on transcript NM_004360.5 (MANE Select); coding-DNA position 2029, C replaced by T.
Protein change: p.Gln677Ter; replaces glutamine 677 with a stop codon.
Molecular consequence: nonsense.
Genome position (GRCh38, 1-based): chr16:68,823,491, C>T. VCF-style: chr16-68823491-C-T. GRCh37 (hg19) VCF-style: chr16-68857394-C-T.
Other names: c.1846C>T, p.Gln616Ter (NM_001317184.2); c.481C>T, p.Gln161Ter (NM_001317185.2); c.64C>T, p.Gln22Ter (NM_001317186.2); short protein forms Q161*, Q22*, Q616*, Q677*.
Identifiers: ClinVar variation 1049026 (VCV001049026.1), dbSNP rs2152139412, ClinGen allele CA396467705.